The following is an entry in ClinVar:

NM_000092.5(COL4A4):c.854dup (p.Pro286fs)

Gene: COL4A4 (collagen type IV alpha 4 chain; minus strand). Cytogenetic location: 2q36.3.
Variant type: Duplication.
Coding change: c.854dup on transcript NM_000092.5 (MANE Select); coding-DNA position 854, one base duplicated (G; older notation c.854dupG).
Protein change: p.Pro286fs; shifts the reading frame from proline 286.
Molecular consequence: frameshift variant.
Genome position (GRCh38, 1-based): chr2:227,103,160, C duplicated on the plus strand (G on the coding strand, the reverse complement: COL4A4 is on the minus strand); the first of 2 consecutive C bases (chr2:227,103,160-227,103,161); duplicating either gives the same sequence. VCF-style (leftmost placement, unchanged base first): chr2-227103159-T-TC. GRCh37 (hg19) VCF-style: chr2-227967875-T-TC.
Other names: c.854dup (NM_000092.4); short protein forms P286fs.
Identifiers: ClinVar variation 4082411 (VCV004082411.2).

ClinVar aggregate classification (germline): Likely pathogenic (1 of 4 stars; one submission).

Submission:

Genetic Services Laboratory, University of Chicago
Classification: Likely pathogenic. Last evaluated: 2024-06-28. Review status: criteria provided, single submitter. Criteria: ACMG Guidelines, 2015. Collection method: clinical testing. Allele origin: germline. Affected: yes.
Comment: DNA sequence analysis of the COL4A4 gene demonstrated a single base pair duplication in exon 14, c.854dup. This likely pathogenic sequence change results in an amino acid frameshift and creates a premature stop codon 144 amino acids downstream of the change, p.Pro286Thrfs*144. While this duplication has not been described in the literature, other truncating variants in COL4A4 have been described in several individuals with COL4A4-related disorders (PMID: 30968591, 24033287, 34964757). This sequence change has not been described in population databases such as ExAC and gnomAD. This sequence change is the likely cause of this individual's phenotype, however functional studies have not been performed to prove this conclusively.